The following is an entry in ClinVar:

NM_000292.3(PHKA2):c.272G>A (p.Cys91Tyr)

Gene: PHKA2 (phosphorylase kinase regulatory subunit alpha 2; minus strand). Cytogenetic location: Xp22.13.
Variant type: single nucleotide variant.
Coding change: c.272G>A on transcript NM_000292.3 (MANE Select); coding-DNA position 272, G replaced by A.
Protein change: p.Cys91Tyr; replaces cysteine 91 with tyrosine.
Molecular consequence: missense variant.
Genome position (GRCh38, 1-based): chrX:18,952,507, C>T on the plus strand (G>A on the coding strand, the complement: PHKA2 is on the minus strand). VCF-style: chrX-18952507-C-T. GRCh37 (hg19) VCF-style: chrX-18970625-C-T.
Other names: short protein forms C91Y.
Identifiers: ClinVar variation 1410252 (VCV001410252.8), dbSNP rs2147991232, ClinGen allele CA412376538.
Genomic context (GRCh38, chrX:18,952,507, plus strand): 5'-TGACATGGAATGCCCACTTGGCAAACACGTGTGTGGGTTCTGCCTACCTGTCTCATCATG[C>T]ACTGGAGAAGACCTCGCATCAGCTTCACCACGTTCTGTGGAGATAAAGCAGAATCAGCAA-3'
Protein context (NP_000283.1, residues 81-101): VVKLMRGLLQ[Cys91Tyr]MMRQVAKVEK

ClinVar aggregate classification (germline): Uncertain significance (1 of 4 stars; one submission).

Conditions:
Glycogen storage disease IXa1. Also called: GLYCOGEN STORAGE DISEASE VIII; GSD VIII; LIVER GLYCOGENOSIS, X-LINKED, TYPE I; Glycogen storage disease 8. Identifiers: Orphanet 264580, MedGen C3694531, MONDO:0010598, OMIM 306000.

Submission:

Labcorp Genetics (formerly Invitae), Labcorp
Classification: Uncertain significance for Glycogen storage disease IXa1. Last evaluated: 2024-10-14. Review status: criteria provided, single submitter. Criteria: Invitae Variant Classification Sherloc (09022015). Collection method: clinical testing. Allele origin: germline.
Comment: This sequence change replaces cysteine, which is neutral and slightly polar, with tyrosine, which is neutral and polar, at codon 91 of the PHKA2 protein (p.Cys91Tyr). This variant is not present in population databases (gnomAD no frequency). This missense change has been observed in individual(s) with glycogen storage disease type IXa (PMID: 11286390). ClinVar contains an entry for this variant (Variation ID: 1410252). Invitae Evidence Modeling of protein sequence and biophysical properties (such as structural, functional, and spatial information, amino acid conservation, physicochemical variation, residue mobility, and thermodynamic stability) indicates that this missense variant is expected to disrupt PHKA2 protein function with a positive predictive value of 80%. In summary, the available evidence is currently insufficient to determine the role of this variant in disease. Therefore, it has been classified as a Variant of Uncertain Significance.

Literature cited by the submitters: PubMed 11286390.